The following is an entry in ClinVar:

NM_000218.3(KCNQ1):c.911G>T (p.Trp304Leu)

Gene: KCNQ1 (potassium voltage-gated channel subfamily Q member 1; plus strand). Cytogenetic location: 11p15.5.
Variant type: single nucleotide variant.
Coding change: c.911G>T on transcript NM_000218.3 (MANE Select); coding-DNA position 911, G replaced by T.
Protein change: p.Trp304Leu; replaces tryptophan 304 with leucine.
Molecular consequence: missense variant. On other transcripts: intron variant (1).
Genome position (GRCh38, 1-based): chr11:2,572,976, G>T. VCF-style: chr11-2572976-G-T. GRCh37 (hg19) VCF-style: chr11-2594206-G-T.
Other names: c.911G>T, p.Trp304Leu (NM_001406836.1); c.641G>T, p.Trp214Leu (NM_001406837.1); c.530G>T, p.Trp177Leu (NM_181798.2); c.478-10459G>T (NM_001406838.1); short protein forms W214L, W304L, W177L.
Identifiers: ClinVar variation 2982293 (VCV002982293.3), dbSNP rs2133733048, ClinGen allele CA379131760.
Genomic context (GRCh38, chr11:2,572,976, plus strand): 5'-AGAAGGACGCGGTGAACGAGTCAGGCCGCGTGGAGTTCGGCAGCTACGCAGATGCGCTGT[G>T]GTGGGGGGTGGTAAGTCGGAAACTTCCAGGCATGGGGACAGGGGCAGCTCAGGCTGAGGA-3'
Protein context (NP_000209.2, residues 294-314): VEFGSYADAL[Trp304Leu]WGVVTVTTIG

ClinVar aggregate classification (germline): Likely pathogenic (1 of 4 stars; one submission).

Conditions:
Long QT syndrome (LQTS). Identifiers: MedGen C0023976, MeSH D008133, MONDO:0002442. Disease mechanism: loss of function. Inheritance: Various modes of inheritance.

Submission:

Labcorp Genetics (formerly Invitae), Labcorp
Classification: Likely pathogenic for Long QT syndrome. Last evaluated: 2023-06-24. Review status: criteria provided, single submitter. Criteria: Invitae Variant Classification Sherloc (09022015). Collection method: clinical testing. Allele origin: germline.
Comment: This sequence change replaces tryptophan, which is neutral and slightly polar, with leucine, which is neutral and non-polar, at codon 304 of the KCNQ1 protein (p.Trp304Leu). This variant is not present in population databases (gnomAD no frequency). This missense change has been observed in individuals with long QT Syndrome (PMID: 19017345, 32383558). Advanced modeling of protein sequence and biophysical properties (such as structural, functional, and spatial information, amino acid conservation, physicochemical variation, residue mobility, and thermodynamic stability) performed at Invitae indicates that this missense variant is expected to disrupt KCNQ1 protein function. This variant disrupts the p.Trp304 amino acid residue in KCNQ1. Other variant(s) that disrupt this residue have been observed in individuals with KCNQ1-related conditions (PMID: 22949429, 32470535), which suggests that this may be a clinically significant amino acid residue. In summary, the currently available evidence indicates that the variant is pathogenic, but additional data are needed to prove that conclusively. Therefore, this variant has been classified as Likely Pathogenic.

Literature cited by the submitters: PubMed 19017345; PubMed 32383558; PubMed 22949429; PubMed 32470535.